The following is an entry in ClinVar:

NM_032193.4(RNASEH2C):c.261A>C (p.Glu87Asp)

Gene: RNASEH2C (ribonuclease H2 subunit C; minus strand). Cytogenetic location: 11q13.1.
Variant type: single nucleotide variant.
Coding change: c.261A>C on transcript NM_032193.4 (MANE Select); coding-DNA position 261, A replaced by C.
Protein change: p.Glu87Asp; replaces glutamic acid 87 with aspartic acid.
Molecular consequence: missense variant.
Genome position (GRCh38, 1-based): chr11:65,720,329, T>G on the plus strand (A>C on the coding strand, the complement: RNASEH2C is on the minus strand). VCF-style: chr11-65720329-T-G. GRCh37 (hg19) VCF-style: chr11-65487800-T-G.
Other names: short protein forms E87D.
Identifiers: ClinVar variation 1037377 (VCV001037377.6), dbSNP rs1857351791, ClinGen allele CA381298871.

ClinVar aggregate classification (germline): Uncertain significance (1 of 4 stars; one submission).

Conditions:
Aicardi-Goutieres syndrome 3. Identifiers: Orphanet 51, MedGen C1835916, MONDO:0012471, OMIM 610329.

Submission:

Labcorp Genetics (formerly Invitae), Labcorp
Classification: Uncertain significance for Aicardi-Goutieres syndrome 3. Last evaluated: 2021-08-31. Review status: criteria provided, single submitter. Criteria: Invitae Variant Classification Sherloc (09022015). Collection method: clinical testing. Allele origin: germline.
Comment: This sequence change replaces glutamic acid with aspartic acid at codon 87 of the RNASEH2C protein (p.Glu87Asp). The glutamic acid residue is moderately conserved and there is a small physicochemical difference between glutamic acid and aspartic acid. This variant is not present in population databases (ExAC no frequency). This variant has not been reported in the literature in individuals affected with RNASEH2C-related conditions. Algorithms developed to predict the effect of missense changes on protein structure and function output the following: SIFT: "Tolerated"; PolyPhen-2: "Benign"; Align-GVGD: "Class C0". The aspartic acid amino acid residue is found in multiple mammalian species, which suggests that this missense change does not adversely affect protein function. In summary, the available evidence is currently insufficient to determine the role of this variant in disease. Therefore, it has been classified as a Variant of Uncertain Significance.